The following is an entry in ClinVar:

NM_001008537.3(NEXMIF):c.3301G>T (p.Gly1101Cys)

Gene: NEXMIF (neurite extension and migration factor; minus strand). Cytogenetic location: Xq13.3.
Variant type: single nucleotide variant.
Coding change: c.3301G>T on transcript NM_001008537.3 (MANE Select); coding-DNA position 3301, G replaced by T.
Protein change: p.Gly1101Cys; replaces glycine 1101 with cysteine.
Molecular consequence: missense variant.
Genome position (GRCh38, 1-based): chrX:74,741,256, C>A on the plus strand (G>T on the coding strand, the complement: NEXMIF is on the minus strand). VCF-style: chrX-74741256-C-A. GRCh37 (hg19) VCF-style: chrX-73961091-C-A.
Other names: short protein forms G1101C.
Identifiers: ClinVar variation 1977946 (VCV001977946.5), dbSNP rs1461176254, ClinGen allele CA413666259.

ClinVar aggregate classification (germline): Uncertain significance (1 of 4 stars; one submission).

Submission:

Labcorp Genetics (formerly Invitae), Labcorp
Classification: Uncertain significance. Last evaluated: 2023-11-27. Review status: criteria provided, single submitter. Criteria: Invitae Variant Classification Sherloc (09022015). Collection method: clinical testing. Allele origin: germline.
Comment: This sequence change replaces glycine, which is neutral and non-polar, with cysteine, which is neutral and slightly polar, at codon 1101 of the NEXMIF protein (p.Gly1101Cys). This variant is present in population databases (no rsID available, gnomAD 0.005%), including at least one homozygous and/or hemizygous individual. This variant has not been reported in the literature in individuals affected with NEXMIF-related conditions. ClinVar contains an entry for this variant (Variation ID: 1977946). An algorithm developed to predict the effect of missense changes on protein structure and function (PolyPhen-2) suggests that this variant is likely to be tolerated. In summary, the available evidence is currently insufficient to determine the role of this variant in disease. Therefore, it has been classified as a Variant of Uncertain Significance.